The following is an entry in ClinVar:

NM_181486.4(TBX5):c.824G>A (p.Ser275Asn)

Gene: TBX5 (T-box transcription factor 5; minus strand). Cytogenetic location: 12q24.21.
Variant type: single nucleotide variant.
Coding change: c.824G>A on transcript NM_181486.4 (MANE Select); coding-DNA position 824, G replaced by A.
Protein change: p.Ser275Asn; replaces serine 275 with asparagine.
Molecular consequence: missense variant.
Genome position (GRCh38, 1-based): chr12:114,366,323, C>T on the plus strand (G>A on the coding strand, the complement: TBX5 is on the minus strand). VCF-style: chr12-114366323-C-T. GRCh37 (hg19) VCF-style: chr12-114804128-C-T.
Other names: c.824G>A, p.Ser275Asn (NM_000192.3); c.674G>A, p.Ser225Asn (NM_080717.4); short protein forms S225N, S275N.
Identifiers: ClinVar variation 4825888 (VCV004825888.1).

ClinVar aggregate classification (germline): Uncertain significance (1 of 4 stars; one submission).

Conditions:
Cardiovascular phenotype. Identifiers: MedGen CN230736.

Submission:

Ambry Genetics
Classification: Uncertain significance for Cardiovascular phenotype. Last evaluated: 2026-03-12. Review status: criteria provided, single submitter. Criteria: Ambry Variant Classification Scheme 2023. Collection method: clinical testing. Allele origin: germline.
Comment: The p.S275N variant (also known as c.824G>A), located in coding exon 7 of the TBX5 gene, results from a G to A substitution at nucleotide position 824. The serine at codon 275 is replaced by asparagine, an amino acid with highly similar properties. This amino acid position is conserved. In addition, this alteration is predicted to be tolerated by in silico analysis. Based on the available evidence, the clinical significance of this variant remains unclear.